The following is an entry in ClinVar:

ClinVar aggregate classification (germline): Uncertain significance (1 of 4 stars; one submission).

Conditions:
Pulmonary fibrosis and/or bone marrow failure, Telomere-related, 3. Also called: PULMONARY FIBROSIS AND/OR BONE MARROW FAILURE SYNDROME, TELOMERE-RELATED, 3. Identifiers: Orphanet 2032, MedGen C4225346, MONDO:0014613, OMIM 616373.
Dyskeratosis congenita, autosomal recessive 5 (DKCB5). Identifiers: MedGen C3554656, MONDO:0014076, OMIM 615190.

Allele frequency attached by ClinVar (database versions not stated): gnomAD exomes below 0.00001; ExAC 0.00001.
gnomAD v4.1: 1 of 1,613,970 alleles (0.000062%); highest among the groups gnomAD compares: Admixed American, 0.0017%; no homozygotes.

Submission:

Labcorp Genetics (formerly Invitae), Labcorp
Classification: Uncertain significance for Dyskeratosis congenita, autosomal recessive 5; Pulmonary fibrosis and/or bone marrow failure, Telomere-related, 3. Last evaluated: 2021-08-26. Review status: criteria provided, single submitter. Criteria: Invitae Variant Classification Sherloc (09022015). Collection method: clinical testing. Allele origin: germline.
Comment: This sequence change replaces asparagine with serine at codon 156 of the RTEL1 protein (p.Asn156Ser). The asparagine residue is moderately conserved and there is a small physicochemical difference between asparagine and serine. This variant is present in population databases (rs774724599, ExAC 0.009%). This variant has not been reported in the literature in individuals affected with RTEL1-related conditions. Algorithms developed to predict the effect of missense changes on protein structure and function output the following: SIFT: "Tolerated"; PolyPhen-2: "Benign"; Align-GVGD: "Class C0". The serine amino acid residue is found in multiple mammalian species, which suggests that this missense change does not adversely affect protein function. In summary, the available evidence is currently insufficient to determine the role of this variant in disease. Therefore, it has been classified as a Variant of Uncertain Significance.

NM_001283009.2(RTEL1):c.467A>G (p.Asn156Ser)

Genes: RTEL1 (regulator of telomere elongation helicase 1; plus strand), RTEL1-TNFRSF6B (RTEL1-TNFRSF6B readthrough (NMD candidate); plus strand). Cytogenetic location: 20q13.33.
Variant type: single nucleotide variant.
Coding change: c.467A>G on transcript NM_001283009.2 (MANE Select); coding-DNA position 467, A replaced by G.
Protein change: p.Asn156Ser; replaces asparagine 156 with serine.
Molecular consequence: missense variant. On other transcripts: non-coding transcript variant (1), 5 prime UTR variant (1).
Genome position (GRCh38, 1-based): chr20:63,662,617, A>G. VCF-style: chr20-63662617-A-G. GRCh37 (hg19) VCF-style: chr20-62293970-A-G.
Other names: c.-203A>G (NM_001283010.1); c.467A>G, p.Asn156Ser (NM_016434.4); c.539A>G, p.Asn180Ser (NM_032957.5); short protein forms N156S, N180S.
Identifiers: ClinVar variation 1001479 (VCV001001479.6), dbSNP rs774724599, ClinGen allele CA9964261.